The following is an entry in ClinVar:

NM_001384125.1(BLTP1):c.1270A>G (p.Met424Val)

Gene: BLTP1 (bridge-like lipid transfer protein family member 1; plus strand). Cytogenetic location: 4q27.
Variant type: single nucleotide variant.
Coding change: c.1270A>G on transcript NM_001384125.1 (MANE Select); coding-DNA position 1270, A replaced by G.
Protein change: p.Met424Val; replaces methionine 424 with valine.
Molecular consequence: missense variant.
Genome position (GRCh38, 1-based): chr4:122,197,256, A>G. VCF-style: chr4-122197256-A-G. GRCh37 (hg19) VCF-style: chr4-123118411-A-G.
Other names: c.1270A>G, p.Met424Val (NM_015312.4); short protein forms M424V.
Identifiers: ClinVar variation 1699628 (VCV001699628.2), dbSNP rs1200633094, ClinGen allele CA358063189.

ClinVar aggregate classification (germline): Uncertain significance (1 of 4 stars; one submission).

Allele frequency attached by ClinVar (database versions not stated): gnomAD exomes below 0.00001 and 0.00001; TOPMed below 0.00001.
gnomAD v4.1: 4 of 1,482,106 alleles (0.00027%); highest among the groups gnomAD compares: East Asian, 0.0025%; no homozygotes.

Submission:

GeneDx
Classification: Uncertain significance. Last evaluated: 2021-12-02. Review status: criteria provided, single submitter. Criteria: GeneDx Variant Classification Process June 2021. Collection method: clinical testing. Allele origin: germline. Affected: yes.
Comment: Has not been previously published as pathogenic or benign to our knowledge; In silico analysis supports that this missense variant does not alter protein structure/function; Not observed at significant frequency in large population cohorts (gnomAD)